The following is an entry in ClinVar:

NM_001136193.2(FASTKD2):c.1080T>C (p.Leu360=)

Gene: FASTKD2 (FASTK mitochondrial RNA regulator 2; plus strand). Cytogenetic location: 2q33.3.
Variant type: single nucleotide variant.
Coding change: c.1080T>C on transcript NM_001136193.2 (MANE Select); coding-DNA position 1080, T replaced by C.
Protein change: p.Leu360=; no amino-acid change (leucine 360 retained).
Molecular consequence: synonymous variant.
Genome position (GRCh38, 1-based): chr2:206,771,983, T>C. VCF-style: chr2-206771983-T-C. GRCh37 (hg19) VCF-style: chr2-207636707-T-C.
Other names: c.1080T>C, p.Leu360= (NM_001136194.2, NM_014929.4).
Identifiers: ClinVar variation 390897 (VCV000390897.29), dbSNP rs376045225, ClinGen allele CA2075050.
Genomic context (GRCh38, chr2:206,771,983, plus strand): 5'-TTCTGTTTTGAATAGCCAACACATGTTTGAAGTACTAGCTGCCATGAATCACCGATCTCT[T>C]ATACTCCTGGATGAATGCAGTAAGGTGGTCCTAGGTAAGAGGAATTTTTCTTTCATCATT-3'
Protein context (NP_001129665.1, residues 350-370): EVLAAMNHRS[Leu360=]ILLDECSKVV

ClinVar aggregate classification (germline): Likely benign. Review status: criteria provided, multiple submitters, no conflicts (2 of 4 stars). 6 submissions from 6 submitters: Likely benign (5). 1 of the submissions does not count toward it. Last evaluated 2025-03-01.

Conditions:
Combined oxidative phosphorylation deficiency 44. Also called: FASTKD2-Related Combined Oxidative Phosphorylation Deficiency. Identifiers: MedGen C5394293, MONDO:0030020, OMIM 618855.

Allele frequency attached by ClinVar (database versions not stated): ESP Exome Variant Server 0.00008; gnomAD 0.00011 and 0.00015; TOPMed 0.00011; gnomAD exomes 0.00031; ExAC 0.00033; 1000 Genomes Project 0.00080; 1000 Genomes Project 30x 0.00094.
gnomAD v4.1: 462 of 1,613,678 alleles (0.029%); highest among the groups gnomAD compares: South Asian, 0.16%; 1 homozygote.

Submissions (6):

CeGaT Center for Human Genetics Tuebingen
Classification: Likely benign. Last evaluated: 2025-03-01. Review status: criteria provided, single submitter. Criteria: CeGaT Center For Human Genetics Tuebingen Variant Classification Criteria Version 2. Collection method: clinical testing. Allele origin: germline. Affected: yes. Observed: 1 variant allele.
Comment: FASTKD2: BP4, BP7

Labcorp Genetics (formerly Invitae), Labcorp
Classification: Likely benign. Last evaluated: 2024-11-01. Review status: criteria provided, single submitter. Criteria: Invitae Variant Classification Sherloc (09022015). Collection method: clinical testing. Allele origin: germline.

Fulgent Genetics
Classification: Likely benign for Combined oxidative phosphorylation deficiency 44. Last evaluated: 2021-09-28. Review status: criteria provided, single submitter. Criteria: ACMG Guidelines, 2015. Collection method: clinical testing. Allele origin: unknown.

GeneDx
Classification: Likely benign. Last evaluated: 2021-02-02. Review status: criteria provided, single submitter. Criteria: GeneDx Variant Classification Process June 2021. Collection method: clinical testing. Allele origin: germline. Affected: yes.

ARUP Laboratories, Molecular Genetics and Genomics, ARUP Laboratories
Classification: Likely benign. Last evaluated: 2017-07-18. Review status: criteria provided, single submitter. Criteria: ARUP Molecular Germline Variant Investigation Process. Collection method: clinical testing. Allele origin: germline.

Mayo Clinic Laboratories, Mayo Clinic
Classification: Likely benign. Last evaluated: 2016-03-08. Review status: no assertion criteria provided. Collection method: clinical testing. Allele origin: unknown. Not counted in ClinVar's aggregate classification.